The following is an entry in ClinVar:

ClinVar aggregate classification (germline): Conflicting classifications of pathogenicity. Review status: criteria provided, conflicting classifications (1 of 4 stars). 3 submissions from 3 submitters: Uncertain significance (2); Benign (1). Last evaluated 2026-08-05.

Conditions:
MYO15A-related disorder. Also called: MYO15A-related condition.

Allele frequency attached by ClinVar (database versions not stated): gnomAD exomes 0.00003; ExAC 0.00013; ESP Exome Variant Server 0.00025; gnomAD 0.00025; TOPMed 0.00035; 1000 Genomes Project 0.00100; 1000 Genomes Project 30x 0.00109.
gnomAD v4.1: 72 of 1,612,770 alleles (0.0045%); highest among the groups gnomAD compares: African/African-American, 0.056%; no homozygotes.

Submissions (3):

PreventionGenetics, part of Exact Sciences
Classification: Uncertain significance for MYO15A-related condition. Last evaluated: 2026-08-05. Review status: criteria provided, single submitter. Criteria: ACMG Guidelines, 2015. Collection method: clinical testing. Allele origin: germline.
Comment: The MYO15A c.950C>T variant is predicted to result in the amino acid substitution p.Ala317Val. To our knowledge, this variant has not been reported in the literature. This variant is reported in 0.096% of alleles in individuals of African descent in gnomAD. Although we suspect that this variant may be benign, at this time, the clinical significance of this variant is uncertain due to the absence of conclusive functional and genetic evidence.

Labcorp Genetics (formerly Invitae), Labcorp
Classification: Benign. Last evaluated: 2024-02-06. Review status: criteria provided, single submitter. Criteria: Invitae Variant Classification Sherloc (09022015). Collection method: clinical testing. Allele origin: germline.

GeneDx
Classification: Uncertain significance. Last evaluated: 2022-03-15. Review status: criteria provided, single submitter. Criteria: GeneDx Variant Classification Process June 2021. Collection method: clinical testing. Allele origin: germline. Affected: yes.
Comment: In silico analysis supports that this missense variant does not alter protein structure/function; Has not been previously published as pathogenic or benign to our knowledge

NM_016239.4(MYO15A):c.950C>T (p.Ala317Val)

Gene: MYO15A (myosin XVA; plus strand). Cytogenetic location: 17p11.2.
Variant type: single nucleotide variant.
Coding change: c.950C>T on transcript NM_016239.4 (MANE Select); coding-DNA position 950, C replaced by T.
Protein change: p.Ala317Val; replaces alanine 317 with valine.
Molecular consequence: missense variant.
Genome position (GRCh38, 1-based): chr17:18,119,750, C>T. VCF-style: chr17-18119750-C-T. GRCh37 (hg19) VCF-style: chr17-18023064-C-T.
Other names: short protein forms A317V.
Identifiers: ClinVar variation 1706320 (VCV001706320.8), dbSNP rs372516960, ClinGen allele CA8422984.